The following is an entry in ClinVar:

ClinVar aggregate classification (germline): Uncertain significance (1 of 4 stars; one submission).

Allele frequency attached by ClinVar (database versions not stated): ExAC 0.00001; gnomAD 0.00001; gnomAD exomes 0.00001; TOPMed 0.00002; ESP Exome Variant Server 0.00008.

Submission:

Labcorp Genetics (formerly Invitae), Labcorp
Classification: Uncertain significance. Last evaluated: 2023-01-20. Review status: criteria provided, single submitter. Criteria: Invitae Variant Classification Sherloc (09022015). Collection method: clinical testing. Allele origin: germline.
Comment: This sequence change replaces alanine, which is neutral and non-polar, with threonine, which is neutral and polar, at codon 275 of the DLX3 protein (p.Ala275Thr). This variant is not present in population databases (gnomAD no frequency). This variant has not been reported in the literature in individuals affected with DLX3-related conditions. Algorithms developed to predict the effect of missense changes on protein structure and function output the following: SIFT: "Tolerated"; PolyPhen-2: "Benign"; Align-GVGD: "Class C0". The threonine amino acid residue is found in multiple mammalian species, which suggests that this missense change does not adversely affect protein function. In summary, the available evidence is currently insufficient to determine the role of this variant in disease. Therefore, it has been classified as a Variant of Uncertain Significance.

NM_005220.3(DLX3):c.823G>A (p.Ala275Thr)

Gene: DLX3 (distal-less homeobox 3; minus strand). Cytogenetic location: 17q21.33.
Variant type: single nucleotide variant.
Coding change: c.823G>A on transcript NM_005220.3 (MANE Select); coding-DNA position 823, G replaced by A.
Protein change: p.Ala275Thr; replaces alanine 275 with threonine.
Molecular consequence: missense variant.
Genome position (GRCh38, 1-based): chr17:49,991,558, C>T on the plus strand (G>A on the coding strand, the complement: DLX3 is on the minus strand). VCF-style: chr17-49991558-C-T. GRCh37 (hg19) VCF-style: chr17-48068922-C-T.
Other names: short protein forms A275T.
Identifiers: ClinVar variation 2967185 (VCV002967185.3), dbSNP rs368296464, ClinGen allele CA8640933.